The following is an entry in ClinVar:

NM_000218.3(KCNQ1):c.605-2A>G

Gene: KCNQ1 (potassium voltage-gated channel subfamily Q member 1; plus strand). Cytogenetic location: 11p15.5.
Variant type: single nucleotide variant.
Coding change: c.605-2A>G on transcript NM_000218.3 (MANE Select); the canonical splice acceptor site of the intron before coding-DNA position 605, A replaced by G.
Molecular consequence: splice acceptor variant. On other transcripts: intron variant (1).
Genome position (GRCh38, 1-based): chr11:2,571,323, A>G. VCF-style: chr11-2571323-A-G. GRCh37 (hg19) VCF-style: chr11-2592553-A-G.
Other names: c.605-2A>G (NM_000218.2, NM_001406836.1); c.335-2A>G (NM_001406837.1); c.478-12112A>G (NM_001406838.1); c.224-2A>G (NM_181798.2).
Identifiers: ClinVar variation 1342708 (VCV001342708.9), dbSNP rs2133728692, ClinGen allele CA379130366.

ClinVar aggregate classification (germline): Pathogenic/Likely pathogenic. Review status: criteria provided, multiple submitters, no conflicts (2 of 4 stars). 4 submissions from 4 submitters: Pathogenic (3); Likely pathogenic (1). Last evaluated 2022-12-17.

Conditions:
KCNQ1-related disorder. Also called: KCNQ1-related condition; KCNQ1-related disorders. Identifiers: MedGen CN239322.
Cardiovascular phenotype. Identifiers: MedGen CN230736.
Long QT syndrome (LQTS). Identifiers: MedGen C0023976, MeSH D008133, MONDO:0002442. Disease mechanism: loss of function. Inheritance: Various modes of inheritance.
Long QT syndrome 1 (LQT1). Identifiers: Orphanet 101016, Orphanet 768, MedGen C4551647, MONDO:0100316, OMIM 192500, MONDO:0008646.

Submissions (4):

Labcorp Genetics (formerly Invitae), Labcorp
Classification: Pathogenic for Long QT syndrome. Last evaluated: 2022-12-17. Review status: criteria provided, single submitter. Criteria: Invitae Variant Classification Sherloc (09022015). Collection method: clinical testing. Allele origin: germline.
Comment: This variant is not present in population databases (gnomAD no frequency). This sequence change affects an acceptor splice site in intron 3 of the KCNQ1 gene. It is expected to disrupt RNA splicing. Variants that disrupt the donor or acceptor splice site typically lead to a loss of protein function (PMID: 16199547), and loss-of-function variants in KCNQ1 are known to be pathogenic (PMID: 9323054, 19862833). For these reasons, this variant has been classified as Pathogenic. ClinVar contains an entry for this variant (Variation ID: 1342708). Algorithms developed to predict the effect of sequence changes on RNA splicing suggest that this variant may disrupt the consensus splice site. Disruption of this splice site has been observed in individual(s) with autosomal recessive Jervell and Lange-Nielsen syndrome and/or clinical features of autosomal dominant long QT syndrome (PMID: 19716085, 22629021). It has also been observed to segregate with disease in related individuals.

Ambry Genetics
Classification: Pathogenic for Cardiovascular phenotype. Last evaluated: 2021-11-29. Review status: criteria provided, single submitter. Criteria: Ambry Variant Classification Scheme 2023. Collection method: clinical testing. Allele origin: germline.
Comment: The c.605-2A>G intronic pathogenic mutation results from an A to G substitution two nucleotides upstream from coding exon 4 in the KCNQ1 gene. This alteration has been reported in two siblings with Jervell and Lange-Nielson syndrome, which was in trans with an additional pathogenic mutation in KCNQ1 (Gao Y et al. J Cardiovasc Dis Res, 2012 Apr;3:67-75). This variant is considered to be rare based on population cohorts in the Genome Aggregation Database (gnomAD). In silico splice site analysis predicts that this alteration will weaken the native splice acceptor site. In addition to the clinical data presented in the literature, alterations that disrupt the canonical splice site are expected to cause aberrant splicing, resulting in an abnormal protein or a transcript that is subject to nonsense-mediated mRNA decay. Based on the supporting evidence, this alteration is interpreted as a disease-causing mutation.

Clinical Genetics Laboratory, Region Ostergotland
Classification: Likely pathogenic for Long QT syndrome 1. Last evaluated: 2021-02-25. Review status: criteria provided, single submitter. Criteria: ACMG Guidelines, 2015. Collection method: clinical testing. Allele origin: germline. Affected: yes.
Comment: PVS1, PM2

Blueprint Genetics
Classification: Pathogenic for KCNQ1-related disorders. Last evaluated: 2019-12-02. Review status: criteria provided, single submitter. Criteria: ACMG Guidelines, 2015. Collection method: clinical testing. Allele origin: germline. Affected: yes. Observed: 2 variant alleles.

Literature cited by the submitters: PubMed 16199547 (cited by Labcorp Genetics (formerly Invitae), Labcorp); PubMed 9323054 (cited by Labcorp Genetics (formerly Invitae), Labcorp); PubMed 19862833 (cited by Labcorp Genetics (formerly Invitae), Labcorp); PubMed 19716085 (cited by Labcorp Genetics (formerly Invitae), Labcorp); PubMed 22629021 (cited by Labcorp Genetics (formerly Invitae), Labcorp and Ambry Genetics).